The following is an entry in ClinVar:

ClinVar aggregate classification (germline): Uncertain significance (1 of 4 stars; one submission).

Conditions:
Familial thoracic aortic aneurysm and aortic dissection (TAAD). Also called: Thoracic aortic aneurysms and dissections. Identifiers: Orphanet 91387, MedGen C4707243, MONDO:0019625.
Hereditary cancer-predisposing syndrome. Also called: Neoplastic Syndromes, Hereditary; Tumor predisposition; Hereditary neoplastic syndrome; Hereditary Cancer Syndrome. Identifiers: Orphanet 140162, MedGen C0027672, MeSH D009386, MONDO:0015356.

Submission:

Ambry Genetics
Classification: Uncertain significance for Hereditary cancer-predisposing syndrome; Familial thoracic aortic aneurysm and aortic dissection. Last evaluated: 2025-03-29. Review status: criteria provided, single submitter. Criteria: Ambry Variant Classification Scheme 2023. Collection method: clinical testing. Allele origin: germline.
Comment: The p.H282D variant (also known as c.844C>G), located in coding exon 6 of the SMAD4 gene, results from a C to G substitution at nucleotide position 844. The histidine at codon 282 is replaced by aspartic acid, an amino acid with similar properties. This amino acid position is conserved. In addition, the in silico prediction for this alteration is inconclusive. Based on the available evidence, the clinical significance of this variant remains unclear.

NM_005359.6(SMAD4):c.844C>G (p.His282Asp)

Gene: SMAD4 (SMAD family member 4; plus strand). Cytogenetic location: 18q21.2.
Variant type: single nucleotide variant.
Coding change: c.844C>G on transcript NM_005359.6 (MANE Select); coding-DNA position 844, C replaced by G.
Protein change: p.His282Asp; replaces histidine 282 with aspartic acid.
Molecular consequence: missense variant. On other transcripts: non-coding transcript variant (2).
Genome position (GRCh38, 1-based): chr18:51,058,396, C>G. VCF-style: chr18-51058396-C-G. GRCh37 (hg19) VCF-style: chr18-48584766-C-G.
Other names: c.844C>G, p.His282Asp (NM_001407041.1, NM_001407042.1, NM_001407043.1); short protein forms H282D.
Identifiers: ClinVar variation 4042706 (VCV004042706.1).
Genomic context (GRCh38, chr18:51,058,396, plus strand): 5'-TTAGACAGCACTACCACCTGGACTGGAAGTAGGACTGCACCATACACACCTAATTTGCCT[C>G]ACCACCAAAACGGCCATCTTCAGCACCACCCGCCTATGCCGCCCCATCCCGGACATTACT-3'
Protein context (NP_005350.1, residues 272-292): RTAPYTPNLP[His282Asp]HQNGHLQHHP